The following is an entry in ClinVar:

NM_000535.7(PMS2):c.1655A>T (p.His552Leu)

Gene: PMS2 (PMS1 homolog 2, mismatch repair system component; minus strand). Cytogenetic location: 7p22.1.
Variant type: single nucleotide variant.
Coding change: c.1655A>T on transcript NM_000535.7 (MANE Select); coding-DNA position 1655, A replaced by T.
Protein change: p.His552Leu; replaces histidine 552 with leucine.
Molecular consequence: missense variant. On other transcripts: non-coding transcript variant (1), intron variant (1).
Genome position (GRCh38, 1-based): chr7:5,987,110, T>A on the plus strand (A>T on the coding strand, the complement: PMS2 is on the minus strand). VCF-style: chr7-5987110-T-A. GRCh37 (hg19) VCF-style: chr7-6026741-T-A.
Other names: c.1250A>T, p.His417Leu (NM_001018040.1, NM_001322003.2, NM_001322004.2 and 17 more transcripts); c.1499A>T, p.His500Leu (NM_001322006.2, NM_001406870.1); c.1337A>T, p.His446Leu (NM_001322007.2, NM_001322008.2, NM_001406876.1 and 2 more transcripts); c.1094A>T, p.His365Leu (NM_001322010.2, NM_001406906.1, NM_001406907.1); c.722A>T, p.His241Leu (NM_001322011.2, NM_001322012.2); c.1487A>T, p.His496Leu (NM_001406874.1); c.1346A>T, p.His449Leu (NM_001406875.1, NM_001406877.1, NM_001406878.1 and 5 more transcripts); c.1190A>T, p.His397Leu (NM_001406900.1); and 13 more; short protein forms H241L, H295L, H361L, H365L, H381L, H394L, H397L, H417L.
Identifiers: ClinVar variation 3067695 (VCV003067695.21), dbSNP rs1783019484, ClinGen allele CA366741355.

ClinVar aggregate classification (germline): Uncertain significance. Review status: criteria provided, multiple submitters, no conflicts (2 of 4 stars). 2 submissions from 2 submitters: Uncertain significance (2). Last evaluated 2026-03-06.

Conditions:
Hereditary cancer-predisposing syndrome. Also called: Tumor predisposition; Neoplastic Syndromes, Hereditary; Hereditary Cancer Syndrome; Hereditary neoplastic syndrome. Identifiers: Orphanet 140162, MedGen C0027672, MeSH D009386, MONDO:0015356.

Allele frequency attached by ClinVar (database versions not stated): TOPMed below 0.00001.

Submissions (2):

Ambry Genetics
Classification: Uncertain significance for Hereditary cancer-predisposing syndrome. Last evaluated: 2026-03-06. Review status: criteria provided, single submitter. Criteria: Ambry Variant Classification Scheme 2023. Collection method: clinical testing. Allele origin: germline.
Comment: The p.H552L variant (also known as c.1655A>T), located in coding exon 11 of the PMS2 gene, results from an A to T substitution at nucleotide position 1655. The histidine at codon 552 is replaced by leucine, an amino acid with similar properties. This amino acid position is conserved. In addition, this alteration is predicted to be tolerated by in silico analysis. Based on the available evidence, the clinical significance of this variant remains unclear.

CeGaT Center for Human Genetics Tuebingen
Classification: Uncertain significance. Last evaluated: 2024-03-01. Review status: criteria provided, single submitter. Criteria: CeGaT Center For Human Genetics Tuebingen Variant Classification Criteria Version 2. Collection method: clinical testing. Allele origin: germline. Affected: yes. Observed: 1 variant allele.
Comment: PMS2: PM2, BP4